The following is an entry in ClinVar:

ClinVar aggregate classification (germline): Uncertain significance (1 of 4 stars; one submission).

Conditions:
Developmental delay with autism spectrum disorder and gait instability (MRT38). Also called: Intellectual developmental disorder, autosomal recessive 38. Identifiers: Orphanet 329195, MedGen C3809753, MONDO:0014224, OMIM 615516.

gnomAD v4.1: 5 of 1,612,298 alleles (0.00031%); highest among the groups gnomAD compares: South Asian, 0.0011%; no homozygotes.

Submission:

3billion
Classification: Uncertain significance for Developmental delay with autism spectrum disorder and gait instability. Last evaluated: 2025-10-29. Review status: criteria provided, single submitter. Criteria: ACMG Guidelines, 2015. Collection method: clinical testing. Allele origin: germline. Affected: yes.
Comment: The variant is observed at an extremely low frequency in the gnomAD v4.1.0 dataset (total allele frequency: <0.001%). Predicted Consequence/Location: Missense variant In silico tool prediction suggests damaging effect of the variant on gene or gene product [REVEL: 0.65 (>=0.6, sensitivity 0.68 and specificity 0.92)]. Different missense changes at the same codon have been reported as of uncertain significance (ClinVar ID: VCV000931263). Therefore, this variant is classified as VUS according to the recommendation of ACMG/AMP guideline.

NM_004667.6(HERC2):c.5350C>T (p.Arg1784Cys)

Gene: HERC2 (HECT and RLD domain containing E3 ubiquitin protein ligase 2; minus strand). Cytogenetic location: 15q13.1.
Variant type: single nucleotide variant.
Coding change: c.5350C>T on transcript NM_004667.6 (MANE Select); coding-DNA position 5350, C replaced by T.
Protein change: p.Arg1784Cys; replaces arginine 1784 with cysteine.
Molecular consequence: missense variant.
Genome position (GRCh38, 1-based): chr15:28,228,332, G>A on the plus strand (C>T on the coding strand, the complement: HERC2 is on the minus strand). VCF-style: chr15-28228332-G-A. GRCh37 (hg19) VCF-style: chr15-28473478-G-A.
Other names: short protein forms R1784C.
Identifiers: ClinVar variation 4855703 (VCV004855703.1).
Genomic context (GRCh38, chr15:28,228,332, plus strand): 5'-GGTCGAGGTTGTTTGCGCCGTGCTGCAGGGTGAGCATGCTGAGCATCACCAGGAGGAAGC[G>A]GGCTTGCGGGATGGTCCCCAGGCTCGGTCCTGACGGGTTCTCATTGGTGATGGTTTGCAG-3'
Protein context (NP_004658.3, residues 1774-1794): GPSLGTIPQA[Arg1784Cys]FLLVMLSMLT